The following is an entry in ClinVar:

NM_004787.4(SLIT2):c.4289G>A (p.Gly1430Asp)

Gene: SLIT2 (slit guidance ligand 2; plus strand). Cytogenetic location: 4p15.31.
Variant type: single nucleotide variant.
Coding change: c.4289G>A on transcript NM_004787.4 (MANE Select); coding-DNA position 4289, G replaced by A.
Protein change: p.Gly1430Asp; replaces glycine 1430 with aspartic acid.
Molecular consequence: missense variant.
Genome position (GRCh38, 1-based): chr4:20,617,591, G>A. VCF-style: chr4-20617591-G-A. GRCh37 (hg19) VCF-style: chr4-20619214-G-A.
Other names: c.4289G>A (NM_004787.1); c.4277G>A, p.Gly1426Asp (NM_001289135.3); c.4265G>A, p.Gly1422Asp (NM_001289136.3); short protein forms G1422D, G1430D, G1426D.
Identifiers: ClinVar variation 2888596 (VCV002888596.4), dbSNP rs749587757, ClinGen allele CA2872409.

ClinVar aggregate classification (germline): Uncertain significance. Review status: criteria provided, multiple submitters, no conflicts (2 of 4 stars). 2 submissions from 2 submitters: Uncertain significance (2). Last evaluated 2024-10-01.

Allele frequency attached by ClinVar (database versions not stated): gnomAD 0.00001; TOPMed 0.00004; ExAC 0.00020.
gnomAD v4.1: 64 of 1,613,340 alleles (0.004%); highest among the groups gnomAD compares: Non-Finnish European, 0.0047%; no homozygotes.

Submissions (2):

Ambry Genetics
Classification: Uncertain significance. Last evaluated: 2024-10-01. Review status: criteria provided, single submitter. Criteria: Ambry Variant Classification Scheme 2023. Collection method: clinical testing. Allele origin: germline.

Labcorp Genetics (formerly Invitae), Labcorp
Classification: Uncertain significance. Last evaluated: 2023-05-09. Review status: criteria provided, single submitter. Criteria: Invitae Variant Classification Sherloc (09022015). Collection method: clinical testing. Allele origin: germline.
Comment: This sequence change replaces glycine, which is neutral and non-polar, with aspartic acid, which is acidic and polar, at codon 1430 of the SLIT2 protein (p.Gly1430Asp). An algorithm developed to predict the effect of missense changes on protein structure and function (PolyPhen-2) suggests that this variant is likely to be disruptive. This variant has not been reported in the literature in individuals affected with SLIT2-related conditions. This variant is present in population databases (rs749587757, gnomAD 0.02%). In summary, the available evidence is currently insufficient to determine the role of this variant in disease. Therefore, it has been classified as a Variant of Uncertain Significance.